The following is an entry in ClinVar:

ClinVar aggregate classification (germline): Benign (1 of 4 stars; one submission).

Allele frequency attached by ClinVar (database versions not stated): TOPMed 0.00015; gnomAD 0.00018; gnomAD exomes 0.00028; 1000 Genomes Project 30x 0.00078; 1000 Genomes Project 0.00080.
gnomAD v4.1: 294 of 1,061,706 alleles (0.028%); highest among the groups gnomAD compares: South Asian, 0.46%; no homozygotes.

Submission:

CeGaT Center for Human Genetics Tuebingen
Classification: Benign. Last evaluated: 2022-10-01. Review status: criteria provided, single submitter. Criteria: CeGaT Center For Human Genetics Tuebingen Variant Classification Criteria Version 2. Collection method: clinical testing. Allele origin: germline. Affected: yes. Observed: 1 variant allele.
Comment: PRKAR1A: BS1, BS2

NM_002734.5(PRKAR1A):c.*2934T>C

Gene: PRKAR1A (protein kinase cAMP-dependent type I regulatory subunit alpha; plus strand). Cytogenetic location: 17q24.2.
Variant type: single nucleotide variant.
Coding change: c.*2934T>C on transcript NM_002734.5 (MANE Select); 2934 bases downstream of the stop codon, T replaced by C.
Molecular consequence: 3 prime UTR variant. On other transcripts: intron variant (1).
Genome position (GRCh38, 1-based): chr17:68,533,383, T>C. VCF-style: chr17-68533383-T-C. GRCh37 (hg19) VCF-style: chr17-66529524-T-C.
Other names: c.*2934T>C (NM_001276289.2, NM_001278433.2, NM_001369389.1 and 3 more transcripts); c.973+3382T>C (NM_001276290.1).
Identifiers: ClinVar variation 2648152 (VCV002648152.24), dbSNP rs573880986, ClinGen allele CA293298786.